The following is an entry in ClinVar:

ClinVar aggregate classification (germline): Uncertain significance (1 of 4 stars; one submission).

Submission:

Labcorp Genetics (formerly Invitae), Labcorp
Classification: Uncertain significance. Last evaluated: 2024-08-20. Review status: criteria provided, single submitter. Criteria: Invitae Variant Classification Sherloc (09022015). Collection method: clinical testing. Allele origin: germline.
Comment: This sequence change replaces asparagine, which is neutral and polar, with lysine, which is basic and polar, at codon 798 of the CACNA1E protein (p.Asn798Lys). This variant is not present in population databases (gnomAD no frequency). This variant has not been reported in the literature in individuals affected with CACNA1E-related conditions. Invitae Evidence Modeling of protein sequence and biophysical properties (such as structural, functional, and spatial information, amino acid conservation, physicochemical variation, residue mobility, and thermodynamic stability) has been performed for this missense variant. However, the output from this modeling did not meet the statistical confidence thresholds required to predict the impact of this variant on CACNA1E protein function. In summary, the available evidence is currently insufficient to determine the role of this variant in disease. Therefore, it has been classified as a Variant of Uncertain Significance.

NM_001205293.3(CACNA1E):c.2394C>A (p.Asn798Lys)

Gene: CACNA1E (calcium voltage-gated channel subunit alpha1 E; plus strand). Cytogenetic location: 1q25.3.
Variant type: single nucleotide variant.
Coding change: c.2394C>A on transcript NM_001205293.3 (MANE Select); coding-DNA position 2394, C replaced by A.
Protein change: p.Asn798Lys; replaces asparagine 798 with lysine.
Molecular consequence: missense variant.
Genome position (GRCh38, 1-based): chr1:181,732,480, C>A. VCF-style: chr1-181732480-C-A. GRCh37 (hg19) VCF-style: chr1-181701616-C-A.
Other names: c.2394C>A, p.Asn798Lys (NM_000721.4); c.2337C>A, p.Asn779Lys (NM_001205294.2); short protein forms N798K, N779K.
Identifiers: ClinVar variation 3633667 (VCV003633667.2).